The following is an entry in ClinVar:

NM_198578.4(LRRK2):c.7382C>G (p.Ala2461Gly)

Gene: LRRK2 (leucine rich repeat kinase 2; plus strand). Cytogenetic location: 12q12.
Variant type: single nucleotide variant.
Coding change: c.7382C>G on transcript NM_198578.4 (MANE Select); coding-DNA position 7382, C replaced by G.
Protein change: p.Ala2461Gly; replaces alanine 2461 with glycine.
Molecular consequence: missense variant.
Genome position (GRCh38, 1-based): chr12:40,365,042, C>G. VCF-style: chr12-40365042-C-G. GRCh37 (hg19) VCF-style: chr12-40758844-C-G.
Other names: short protein forms A2461G.
Identifiers: ClinVar variation 3540583 (VCV003540583.1).
Genomic context (GRCh38, chr12:40,365,042, plus strand): 5'-CTCGTCGACTTATACGTGTAATTTACAACTTTTGTAATTCGGTCAGAGTCATGATGACAG[C>G]ACAGCTAGGCAAGTTTCTTTCCTTTAGATATTTTTCATATTCTCTAAGTCTTATAAAATA-3'
Protein context (NP_940980.4, residues 2451-2471): FCNSVRVMMT[Ala2461Gly]QLGSLKNVML

ClinVar aggregate classification (germline): Uncertain significance (1 of 4 stars; one submission).

Conditions:
Inborn genetic diseases. Identifiers: MedGen C0950123, MeSH D030342.

Submission:

Ambry Genetics
Classification: Uncertain significance for Inborn genetic diseases. Last evaluated: 2024-07-15. Review status: criteria provided, single submitter. Criteria: Ambry Variant Classification Scheme 2023. Collection method: clinical testing. Allele origin: germline.
Comment: The p.A2461G variant (also known as c.7382C>G), located in coding exon 49 of the LRRK2 gene, results from a C to G substitution at nucleotide position 7382. The alanine at codon 2461 is replaced by glycine, an amino acid with similar properties. This amino acid position is conserved. In addition, the in silico prediction for this alteration is inconclusive. Based on the available evidence, the clinical significance of this variant remains unclear.